The following is an entry in ClinVar:

ClinVar aggregate classification (germline): Uncertain significance. Review status: criteria provided, multiple submitters, no conflicts (2 of 4 stars). 2 submissions from 2 submitters: Uncertain significance (2). Last evaluated 2025-05-16.

Conditions:
Inborn genetic diseases. Identifiers: MedGen C0950123, MeSH D030342.
Acrocallosal syndrome (ACLS). Also called: HALLUX DUPLICATION, POSTAXIAL POLYDACTYLY, AND ABSENCE OF CORPUS CALLOSUM; Schinzel syndrome 1; Absence of corpus callosum with unusual facial appearance, mental deficiency, duplication of the halluces and polydactyly. Identifiers: Orphanet 36, MedGen C0796147, MONDO:0008708, OMIM 200990.

Allele frequency attached by ClinVar (database versions not stated): gnomAD exomes below 0.00001 and 0.00001; gnomAD 0.00001; TOPMed 0.00001; ExAC 0.00002.
gnomAD v4.1: 5 of 1,613,992 alleles (0.00031%); highest among the groups gnomAD compares: South Asian, 0.0011%; no homozygotes.

Submissions (2):

Ambry Genetics
Classification: Uncertain significance for Inborn genetic diseases. Last evaluated: 2025-05-16. Review status: criteria provided, single submitter. Criteria: Ambry Variant Classification Scheme 2023. Collection method: clinical testing. Allele origin: germline.

Labcorp Genetics (formerly Invitae), Labcorp
Classification: Uncertain significance for Acrocallosal syndrome. Last evaluated: 2021-08-14. Review status: criteria provided, single submitter. Criteria: Invitae Variant Classification Sherloc (09022015). Collection method: clinical testing. Allele origin: germline.
Comment: This sequence change replaces alanine with threonine at codon 673 of the KIF7 protein (p.Ala673Thr). The alanine residue is moderately conserved and there is a small physicochemical difference between alanine and threonine. This variant is present in population databases (rs778447926, ExAC 0.006%). This variant has not been reported in the literature in individuals affected with KIF7-related conditions. Algorithms developed to predict the effect of missense changes on protein structure and function output the following: SIFT: "Deleterious"; PolyPhen-2: "Benign"; Align-GVGD: "Class C0". The threonine amino acid residue is found in multiple mammalian species, which suggests that this missense change does not adversely affect protein function. In summary, the available evidence is currently insufficient to determine the role of this variant in disease. Therefore, it has been classified as a Variant of Uncertain Significance.

NM_198525.3(KIF7):c.2017G>A (p.Ala673Thr)

Gene: KIF7 (kinesin family member 7; minus strand). Cytogenetic location: 15q26.1.
Variant type: single nucleotide variant.
Coding change: c.2017G>A on transcript NM_198525.3 (MANE Select); coding-DNA position 2017, G replaced by A.
Protein change: p.Ala673Thr; replaces alanine 673 with threonine.
Molecular consequence: missense variant.
Genome position (GRCh38, 1-based): chr15:89,645,357, C>T on the plus strand (G>A on the coding strand, the complement: KIF7 is on the minus strand). VCF-style: chr15-89645357-C-T. GRCh37 (hg19) VCF-style: chr15-90188588-C-T.
Other names: c.2017G>A (NM_198525.2); short protein forms A673T.
Identifiers: ClinVar variation 1367846 (VCV001367846.6), dbSNP rs778447926, ClinGen allele CA7728374.
Genomic context (GRCh38, chr15:89,645,357, plus strand): 5'-AGTGGGGAGGAGGCCCTCTCTGCATCCCACCCAGCTTACCTCTGGACCCTGGAATGGCTG[C>T]ATCCAACTCCTCAAGGCAAAGCTCTGGGCCCTTCCTCTCTGGCAGACTCCCTGGGCGTGC-3'
Protein context (NP_940927.2, residues 663-683): GPELCLEELD[Ala673Thr]AIPGSRAVGG